The following is an entry in ClinVar:

NM_006918.5(SC5D):c.*5742T>C

Gene: SC5D (sterol-C5-desaturase; plus strand). Cytogenetic location: 11q24.1.
Variant type: single nucleotide variant.
Coding change: c.*5742T>C on transcript NM_006918.5 (MANE Select); 5742 bases downstream of the stop codon, T replaced by C.
Molecular consequence: 3 prime UTR variant.
Genome position (GRCh38, 1-based): chr11:121,313,254, T>C. VCF-style: chr11-121313254-T-C. GRCh37 (hg19) VCF-style: chr11-121183963-T-C.
Other names: c.*5742T>C (NM_001024956.3).
Identifiers: ClinVar variation 303123 (VCV000303123.5), dbSNP rs73592766, ClinGen allele CA10630197.

ClinVar aggregate classification (germline): Benign (1 of 4 stars; one submission).

Conditions:
Lathosterolosis. Also called: SC5D DEFICIENCY; STEROL C5-DESATURASE DEFICIENCY. Identifiers: Orphanet 46059, MedGen C1846421, MONDO:0011816, OMIM 607330.

Allele frequency attached by ClinVar (database versions not stated): gnomAD 0.01936 and 0.02058; TOPMed 0.02139; 1000 Genomes Project 30x 0.02311; 1000 Genomes Project 0.02316.
gnomAD v4.1: 2,914 of 152,320 alleles (1.9%); highest among the groups gnomAD compares: African/African-American, 6.5%; 107 homozygotes.

Submission:

Illumina Laboratory Services, Illumina
Classification: Benign for Lathosterolosis. Last evaluated: 2018-01-12. Review status: criteria provided, single submitter. Criteria: ICSL Variant Classification Criteria 13 December 2019. Collection method: clinical testing. Allele origin: germline.
Comment: This variant was observed in the ICSL laboratory as part of a predisposition screen in an ostensibly healthy population. It had not been previously curated by ICSL or reported in the Human Gene Mutation Database (HGMD: prior to June 1st, 2018), and was therefore a candidate for classification through an automated scoring system. Utilizing variant allele frequency, disease prevalence and penetrance estimates, and inheritance mode, an automated score was calculated to assess if this variant is too frequent to cause the disease. Based on the score and internal cut-off values, a variant classified as benign is not then subjected to further curation. The score for this variant resulted in a classification of benign for this disease.